The following is an entry in ClinVar:

ClinVar aggregate classification (germline): Uncertain significance (1 of 4 stars; one submission).

Conditions:
Familial adenomatous polyposis 1 (FAP1). Also called: FAMILIAL ADENOMATOUS POLYPOSIS 1, ATTENUATED; POLYPOSIS, ADENOMATOUS INTESTINAL. Identifiers: MedGen C2713442, MONDO:0021056, OMIM 175100. Disease mechanism: loss of function.

Allele frequency attached by ClinVar (database versions not stated): gnomAD 0.00001; TOPMed 0.00001.
gnomAD v4.1: 1 of 1,369,736 alleles (0.000073%); highest among the groups gnomAD compares: African/African-American, 0.0014%; no homozygotes.

Submission:

Labcorp Genetics (formerly Invitae), Labcorp
Classification: Uncertain significance for Familial adenomatous polyposis 1. Last evaluated: 2025-07-31. Review status: criteria provided, single submitter. Criteria: Invitae Variant Classification Sherloc (09022015). Collection method: clinical testing. Allele origin: germline.
Comment: This variant occurs in a non-coding region of the APC gene. It does not change the encoded amino acid sequence of the APC protein. This variant is not present in population databases (gnomAD no frequency). This variant has not been reported in the literature in individuals affected with APC-related conditions. Experimental studies and prediction algorithms are not available or were not evaluated, and the functional significance of this variant is currently unknown. In summary, the available evidence is currently insufficient to determine the role of this variant in disease. Therefore, it has been classified as a Variant of Uncertain Significance.

NM_001127511.3(APC):c.141T>G (p.Ser47=)

Gene: APC (APC regulator of Wnt signaling pathway; plus strand). Cytogenetic location: 5q22.2.
Variant type: single nucleotide variant.
Coding change: c.141T>G on transcript NM_001127511.3; coding-DNA position 141, T replaced by G.
Protein change: p.Ser47=; no amino-acid change (serine 47 retained).
Molecular consequence: synonymous variant. On other transcripts: 5 prime UTR variant (8), non-coding transcript variant (1), intron variant (5).
Genome position (GRCh38, 1-based): chr5:112,707,858, T>G. VCF-style: chr5-112707858-T-G. GRCh37 (hg19) VCF-style: chr5-112043555-T-G.
Other names: c.-43T>G (NM_001354895.2, NM_001407447.1, NM_001407452.1 and 3 more transcripts); c.141T>G, p.Ser47= (NM_001354897.2, NM_001354902.2, NM_001407446.1); c.-1078T>G (NM_001407470.1, NM_001407472.1); c.-19+209T>G (NM_001407448.1, NM_001407450.1, NM_001407457.1 and 1 more transcripts); c.-43+209T>G (NM_001407453.1).
Identifiers: ClinVar variation 1063862 (VCV001063862.7), dbSNP rs753577385, ClinGen allele CA802057562.
Genomic context (GRCh38, chr5:112,707,858, plus strand): 5'-CGGCGGCAGCAGGAGCTGCGTCCGGCAGGAGACGAAGAGCCCGGGCGGCGCTCGTACTTC[T>G]GGCCACTGGGCGAGCGTCTGGCAGGTGAGTGAGGCTGCAGGCATTGACGTCTCCTCCCGG-3'